The following is an entry in ClinVar:

ClinVar aggregate classification (germline): Likely benign. Review status: criteria provided, multiple submitters, no conflicts (2 of 4 stars). 2 submissions from 2 submitters: Likely benign (2). Last evaluated 2025-11-10.

Conditions:
Charcot-Marie-Tooth Neuropathy X. Identifiers: MedGen CN118851.
Combined oxidative phosphorylation deficiency. Identifiers: MedGen C4540031, MONDO:0000732.

Allele frequency attached by ClinVar (database versions not stated): gnomAD exomes below 0.00001 and 0.00001.
gnomAD v4.1: 1 of 1,212,117 alleles (0.000083%); highest among the groups gnomAD compares: Non-Finnish European, 0.00011%; no homozygotes.

Submissions (2):

Labcorp Genetics (formerly Invitae), Labcorp
Classification: Likely benign for Charcot-Marie-Tooth Neuropathy X; Combined oxidative phosphorylation deficiency. Last evaluated: 2025-11-10. Review status: criteria provided, single submitter. Criteria: Invitae Variant Classification Sherloc (09022015). Collection method: clinical testing. Allele origin: germline.

GeneDx
Classification: Likely benign. Last evaluated: 2016-05-24. Review status: criteria provided, single submitter. Criteria: GeneDx Variant Classification (06012015). Collection method: clinical testing. Allele origin: germline. Affected: yes.
Comment: This variant is considered likely benign or benign based on one or more of the following criteria: it is a conservative change, it occurs at a poorly conserved position in the protein, it is predicted to be benign by multiple in silico algorithms, and/or has population frequency not consistent with disease.

NM_004208.4(AIFM1):c.474+13T>G

Genes: AIFM1 (apoptosis inducing factor mitochondria associated 1; minus strand), RAB33A (RAB33A, member RAS oncogene family; plus strand). Cytogenetic location: Xq26.1.
Variant type: single nucleotide variant.
Coding change: c.474+13T>G on transcript NM_004208.4 (MANE Select); 13 bases into the intron after coding-DNA position 474, T replaced by G.
Molecular consequence: intron variant.
Genome position (GRCh38, 1-based): chrX:130,147,739, A>C on the plus strand (T>G on the coding strand, the complement: AIFM1 is on the minus strand). VCF-style: chrX-130147739-A-C. GRCh37 (hg19) VCF-style: chrX-129281714-A-C.
Other names: c.462+13T>G (NM_145812.3); c.474+13T>G (NM_001130847.4).
Identifiers: ClinVar variation 386348 (VCV000386348.10), dbSNP rs1057522482, ClinGen allele CA16609126.